The following is an entry in ClinVar:

NM_003835.4(RGS9):c.1923G>A (p.Thr641=)

Gene: RGS9 (regulator of G protein signaling 9; plus strand). Cytogenetic location: 17q24.1.
Variant type: single nucleotide variant.
Coding change: c.1923G>A on transcript NM_003835.4 (MANE Select); coding-DNA position 1923, G replaced by A.
Protein change: p.Thr641=; no amino-acid change (threonine 641 retained).
Molecular consequence: synonymous variant.
Genome position (GRCh38, 1-based): chr17:65,227,305, G>A. VCF-style: chr17-65227305-G-A. GRCh37 (hg19) VCF-style: chr17-63223423-G-A.
Other names: c.1914G>A, p.Thr638= (NM_001081955.3).
Identifiers: ClinVar variation 1930757 (VCV001930757.5), dbSNP rs1337064840, ClinGen allele CA501474482.

ClinVar aggregate classification (germline): Uncertain significance (1 of 4 stars; one submission).

Allele frequency attached by ClinVar (database versions not stated): gnomAD 0.00001; gnomAD exomes 0.00001; TOPMed 0.00001.
gnomAD v4.1: 14 of 1,614,020 alleles (0.00087%); highest among the groups gnomAD compares: Middle Eastern, 0.016%; no homozygotes.

Submission:

Labcorp Genetics (formerly Invitae), Labcorp
Classification: Uncertain significance. Last evaluated: 2022-11-08. Review status: criteria provided, single submitter. Criteria: Invitae Variant Classification Sherloc (09022015). Collection method: clinical testing. Allele origin: germline.
Comment: This variant has not been reported in the literature in individuals affected with RGS9-related conditions. This variant is present in population databases (no rsID available, gnomAD 0.006%). This sequence change affects codon 641 of the RGS9 mRNA. It is a 'silent' change, meaning that it does not change the encoded amino acid sequence of the RGS9 protein. Algorithms developed to predict the effect of sequence changes on RNA splicing suggest that this variant may create or strengthen a splice site. In summary, the available evidence is currently insufficient to determine the role of this variant in disease. Therefore, it has been classified as a Variant of Uncertain Significance.